The following is an entry in ClinVar:

ClinVar aggregate classification (germline): Uncertain significance (1 of 4 stars; one submission).

Conditions:
Cystic fibrosis (CF). Also called: MUCOVISCIDOSIS. Identifiers: Orphanet 586, MedGen C0010674, MONDO:0009061, OMIM 219700. Disease mechanism: loss of function.

Submission:

Ambry Genetics
Classification: Uncertain significance for Cystic fibrosis. Last evaluated: 2025-08-29. Review status: criteria provided, single submitter. Criteria: Ambry Variant Classification Scheme 2023. Collection method: clinical testing. Allele origin: germline.
Comment: The p.D1394V variant (also known as c.4181A>T), located in coding exon 26 of the CFTR gene, results from an A to T substitution at nucleotide position 4181. The aspartic acid at codon 1394 is replaced by valine, an amino acid with highly dissimilar properties. This amino acid position is conserved. In addition, the in silico prediction for this alteration is inconclusive. Based on the available evidence, the clinical significance of this variant remains unclear.

NM_000492.4(CFTR):c.4181A>T (p.Asp1394Val)

Gene: CFTR (CF transmembrane conductance regulator; plus strand). Cytogenetic location: 7q31.2.
Variant type: single nucleotide variant.
Coding change: c.4181A>T on transcript NM_000492.4 (MANE Select); coding-DNA position 4181, A replaced by T.
Protein change: p.Asp1394Val; replaces aspartic acid 1394 with valine.
Molecular consequence: missense variant.
Genome position (GRCh38, 1-based): chr7:117,665,503, A>T. VCF-style: chr7-117665503-A-T. GRCh37 (hg19) VCF-style: chr7-117305557-A-T.
Other names: short protein forms D1394V.
Identifiers: ClinVar variation 4227440 (VCV004227440.1).